The following is an entry in ClinVar:

ClinVar aggregate classification (germline): Uncertain significance (1 of 4 stars; one submission).

Conditions:
Peroxisome biogenesis disorder 2B (PBD2B). Identifiers: Orphanet 44, MedGen C3550234, MONDO:0008736, OMIM 202370.

Allele frequency attached by ClinVar (database versions not stated): gnomAD exomes below 0.00001 and 0.00001; gnomAD 0.00002 and 0.00005; TOPMed 0.00002; ESP Exome Variant Server 0.00008.
gnomAD v4.1: 9 of 1,604,786 alleles (0.00056%); highest among the groups gnomAD compares: African/African-American, 0.012%; no homozygotes.

Submission:

Labcorp Genetics (formerly Invitae), Labcorp
Classification: Uncertain significance for Peroxisome biogenesis disorder 2B. Last evaluated: 2022-10-05. Review status: criteria provided, single submitter. Criteria: Invitae Variant Classification Sherloc (09022015). Collection method: clinical testing. Allele origin: germline.
Comment: This sequence change replaces proline, which is neutral and non-polar, with leucine, which is neutral and non-polar, at codon 176 of the PEX5 protein (p.Pro176Leu). The frequency data for this variant in the population databases is considered unreliable, as metrics indicate poor data quality at this position in the gnomAD database. This variant has not been reported in the literature in individuals affected with PEX5-related conditions. ClinVar contains an entry for this variant (Variation ID: 1446629). Advanced modeling of protein sequence and biophysical properties (such as structural, functional, and spatial information, amino acid conservation, physicochemical variation, residue mobility, and thermodynamic stability) performed at Invitae indicates that this missense variant is not expected to disrupt PEX5 protein function. In summary, the available evidence is currently insufficient to determine the role of this variant in disease. Therefore, it has been classified as a Variant of Uncertain Significance.

NM_001351132.2(PEX5):c.527C>T (p.Pro176Leu)

Gene: PEX5 (peroxisomal biogenesis factor 5; plus strand). Cytogenetic location: 12p13.31.
Variant type: single nucleotide variant.
Coding change: c.527C>T on transcript NM_001351132.2 (MANE Select); coding-DNA position 527, C replaced by T.
Protein change: p.Pro176Leu; replaces proline 176 with leucine.
Molecular consequence: missense variant.
Genome position (GRCh38, 1-based): chr12:7,199,089, C>T. VCF-style: chr12-7199089-C-T. GRCh37 (hg19) VCF-style: chr12-7351685-C-T.
Other names: c.527C>T, p.Pro176Leu (NM_000319.5, NM_001131024.2, NM_001131025.2 and 19 more transcripts); c.572C>T, p.Pro191Leu (NM_001131023.2, NM_001351135.3, NM_001351138.2); short protein forms P176L, P191L.
Identifiers: ClinVar variation 1446629 (VCV001446629.3), dbSNP rs145613325, ClinGen allele CA232468436.